The following is an entry in ClinVar:

NM_001041.4(SI):c.2859A>T (p.Gln953His)

Gene: SI (sucrase-isomaltase; minus strand). Cytogenetic location: 3q26.1.
Variant type: single nucleotide variant.
Coding change: c.2859A>T on transcript NM_001041.4 (MANE Select); coding-DNA position 2859, A replaced by T.
Protein change: p.Gln953His; replaces glutamine 953 with histidine.
Molecular consequence: missense variant.
Genome position (GRCh38, 1-based): chr3:165,030,745, T>A on the plus strand (A>T on the coding strand, the complement: SI is on the minus strand). VCF-style: chr3-165030745-T-A. GRCh37 (hg19) VCF-style: chr3-164748533-T-A.
Other names: short protein forms Q953H.
Identifiers: ClinVar variation 1491522 (VCV001491522.6), dbSNP rs1444268809, ClinGen allele CA355045052.

ClinVar aggregate classification (germline): Uncertain significance (1 of 4 stars; one submission).

Submission:

Labcorp Genetics (formerly Invitae), Labcorp
Classification: Uncertain significance. Last evaluated: 2022-06-13. Review status: criteria provided, single submitter. Criteria: Invitae Variant Classification Sherloc (09022015). Collection method: clinical testing. Allele origin: germline.
Comment: This sequence change replaces glutamine, which is neutral and polar, with histidine, which is basic and polar, at codon 953 of the SI protein (p.Gln953His). In summary, the available evidence is currently insufficient to determine the role of this variant in disease. Therefore, it has been classified as a Variant of Uncertain Significance. Advanced modeling of protein sequence and biophysical properties (such as structural, functional, and spatial information, amino acid conservation, physicochemical variation, residue mobility, and thermodynamic stability) performed at Invitae indicates that this missense variant is not expected to disrupt SI protein function. This variant has not been reported in the literature in individuals affected with SI-related conditions. This variant is not present in population databases (gnomAD no frequency).